The following is an entry in ClinVar:

NM_199420.4(POLQ):c.5615G>A (p.Ser1872Asn)

Gene: POLQ (DNA polymerase theta; minus strand). Cytogenetic location: 3q13.33.
Variant type: single nucleotide variant.
Coding change: c.5615G>A on transcript NM_199420.4 (MANE Select); coding-DNA position 5615, G replaced by A.
Protein change: p.Ser1872Asn; replaces serine 1872 with asparagine.
Molecular consequence: missense variant.
Genome position (GRCh38, 1-based): chr3:121,487,316, C>T on the plus strand (G>A on the coding strand, the complement: POLQ is on the minus strand). VCF-style: chr3-121487316-C-T. GRCh37 (hg19) VCF-style: chr3-121206163-C-T.
Other names: short protein forms S1872N.
Identifiers: ClinVar variation 1748649 (VCV001748649.2), dbSNP rs773785474, ClinGen allele CA2562694.

ClinVar aggregate classification (germline): Uncertain significance (1 of 4 stars; one submission).

Allele frequency attached by ClinVar (database versions not stated): gnomAD exomes below 0.00001; ExAC 0.00001.
gnomAD v4.1: 1 of 1,578,754 alleles (0.000063%); highest among the groups gnomAD compares: Non-Finnish European, 0.000086%; no homozygotes.

Submission:

Ambry Genetics
Classification: Uncertain significance. Last evaluated: 2021-10-13. Review status: criteria provided, single submitter. Criteria: Ambry Variant Classification Scheme 2023. Collection method: clinical testing. Allele origin: germline.
Comment: The p.S1872N variant (also known as c.5615G>A), located in coding exon 16 of the POLQ gene, results from a G to A substitution at nucleotide position 5615. The serine at codon 1872 is replaced by asparagine, an amino acid with highly similar properties. This amino acid position is conserved. In addition, this alteration is predicted to be tolerated by in silico analysis. Since supporting evidence is limited at this time, the clinical significance of this alteration remains unclear.